The following is an entry in ClinVar:

ClinVar aggregate classification (germline): Uncertain significance. Review status: criteria provided, multiple submitters, no conflicts (2 of 4 stars). 3 submissions from 3 submitters: Uncertain significance (3). Last evaluated 2025-09-24.

Conditions:
Hennekam lymphangiectasia-lymphedema syndrome 1 (HKLLS1). Also called: LYMPHATIC DYSPLASIA, GENERALIZED. Identifiers: Orphanet 2136, MedGen C4012050, MONDO:0009337, OMIM 235510.
Inborn genetic diseases. Identifiers: MedGen C0950123, MeSH D030342.

Allele frequency attached by ClinVar (database versions not stated): TOPMed below 0.00001; ExAC 0.00001; gnomAD exomes 0.00001.
gnomAD v4.1: 8 of 1,614,166 alleles (0.0005%); highest among the groups gnomAD compares: Non-Finnish European, 0.00068%; no homozygotes.

Submissions (3):

Ambry Genetics
Classification: Uncertain significance for Inborn genetic diseases. Last evaluated: 2025-09-24. Review status: criteria provided, single submitter. Criteria: Ambry Variant Classification Scheme 2023. Collection method: clinical testing. Allele origin: germline.

Labcorp Genetics (formerly Invitae), Labcorp
Classification: Uncertain significance. Last evaluated: 2022-07-12. Review status: criteria provided, single submitter. Criteria: Invitae Variant Classification Sherloc (09022015). Collection method: clinical testing. Allele origin: germline.
Comment: Algorithms developed to predict the effect of missense changes on protein structure and function are either unavailable or do not agree on the potential impact of this missense change (SIFT: "Deleterious"; PolyPhen-2: "Benign"; Align-GVGD: "Class C0"). ClinVar contains an entry for this variant (Variation ID: 892062). This variant has not been reported in the literature in individuals affected with CCBE1-related conditions. In summary, the available evidence is currently insufficient to determine the role of this variant in disease. Therefore, it has been classified as a Variant of Uncertain Significance. This variant is present in population databases (rs755044198, gnomAD 0.002%). This sequence change replaces leucine, which is neutral and non-polar, with proline, which is neutral and non-polar, at codon 383 of the CCBE1 protein (p.Leu383Pro).

Illumina Laboratory Services, Illumina
Classification: Uncertain significance for Hennekam lymphangiectasia-lymphedema syndrome 1. Last evaluated: 2018-01-13. Review status: criteria provided, single submitter. Criteria: ICSL Variant Classification Criteria 13 December 2019. Collection method: clinical testing. Allele origin: germline.

NM_133459.4(CCBE1):c.1148T>C (p.Leu383Pro)

Gene: CCBE1 (collagen and calcium binding EGF domains 1; minus strand). Cytogenetic location: 18q21.32.
Variant type: single nucleotide variant.
Coding change: c.1148T>C on transcript NM_133459.4 (MANE Select); coding-DNA position 1148, T replaced by C.
Protein change: p.Leu383Pro; replaces leucine 383 with proline.
Molecular consequence: missense variant.
Genome position (GRCh38, 1-based): chr18:59,435,981, A>G on the plus strand (T>C on the coding strand, the complement: CCBE1 is on the minus strand). VCF-style: chr18-59435981-A-G. GRCh37 (hg19) VCF-style: chr18-57103213-A-G.
Other names: short protein forms L383P.
Identifiers: ClinVar variation 892062 (VCV000892062.10), dbSNP rs755044198, ClinGen allele CA8980164.